The following is an entry in ClinVar:

NM_006258.4(PRKG1):c.1070A>G (p.Lys357Arg)

Gene: PRKG1 (protein kinase cGMP-dependent 1; plus strand). Cytogenetic location: 10q21.1.
Variant type: single nucleotide variant.
Coding change: c.1070A>G on transcript NM_006258.4 (MANE Select); coding-DNA position 1070, A replaced by G.
Protein change: p.Lys357Arg; replaces lysine 357 with arginine.
Molecular consequence: missense variant. On other transcripts: 5 prime UTR variant (1).
Genome position (GRCh38, 1-based): chr10:52,161,957, A>G. VCF-style: chr10-52161957-A-G. GRCh37 (hg19) VCF-style: chr10-53921717-A-G.
Other names: c.1025A>G, p.Lys342Arg (NM_001098512.3); c.-140A>G (NM_001374781.1); short protein forms K342R, K357R.
Identifiers: ClinVar variation 3618030 (VCV003618030.2).

ClinVar aggregate classification (germline): Uncertain significance (1 of 4 stars; one submission).

Conditions:
Aortic aneurysm, familial thoracic 8 (AAT8). Identifiers: MedGen C3809513, MONDO:0014187, OMIM 615436.

Submission:

Labcorp Genetics (formerly Invitae), Labcorp
Classification: Uncertain significance for Aortic aneurysm, familial thoracic 8. Last evaluated: 2024-12-15. Review status: criteria provided, single submitter. Criteria: Invitae Variant Classification Sherloc (09022015). Collection method: clinical testing. Allele origin: germline.
Comment: This sequence change replaces lysine, which is basic and polar, with arginine, which is basic and polar, at codon 357 of the PRKG1 protein (p.Lys357Arg). This variant is not present in population databases (gnomAD no frequency). This variant has not been reported in the literature in individuals affected with PRKG1-related conditions. An algorithm developed to predict the effect of missense changes on protein structure and function (PolyPhen-2) suggests that this variant is likely to be tolerated. In summary, the available evidence is currently insufficient to determine the role of this variant in disease. Therefore, it has been classified as a Variant of Uncertain Significance.